The following is an entry in ClinVar:

ClinVar aggregate classification (germline): Uncertain significance (1 of 4 stars; one submission).

Conditions:
Hereditary sensory neuropathy-deafness-dementia syndrome. Also called: Hereditary Sensory and Autonomic Neuropathy Type 1E (HSAN1E); Hereditary sensory neuropathy type IE; HSN IE; NEUROPATHY, HEREDITARY SENSORY, WITH HEARING LOSS AND DEMENTIA. Identifiers: Orphanet 456318, MedGen C3279885, MONDO:0013584, OMIM 614116.

Allele frequency attached by ClinVar (database versions not stated): ExAC 0.00001.
gnomAD v4.1: 5 of 1,565,360 alleles (0.00032%); highest among the groups gnomAD compares: African/African-American, 0.0018%; no homozygotes.

Submission:

Labcorp Genetics (formerly Invitae), Labcorp
Classification: Uncertain significance for Hereditary sensory neuropathy-deafness-dementia syndrome. Last evaluated: 2025-01-12. Review status: criteria provided, single submitter. Criteria: Invitae Variant Classification Sherloc (09022015). Collection method: clinical testing. Allele origin: germline.
Comment: This sequence change replaces lysine, which is basic and polar, with glutamine, which is neutral and polar, at codon 351 of the DNMT1 protein (p.Lys351Gln). This variant is present in population databases (rs749001465, gnomAD 0.0009%). This variant has not been reported in the literature in individuals affected with DNMT1-related conditions. ClinVar contains an entry for this variant (Variation ID: 962196). Invitae Evidence Modeling of protein sequence and biophysical properties (such as structural, functional, and spatial information, amino acid conservation, physicochemical variation, residue mobility, and thermodynamic stability) indicates that this missense variant is not expected to disrupt DNMT1 protein function with a negative predictive value of 80%. In summary, the available evidence is currently insufficient to determine the role of this variant in disease. Therefore, it has been classified as a Variant of Uncertain Significance.

NM_001130823.3(DNMT1):c.1051A>C (p.Lys351Gln)

Gene: DNMT1 (DNA methyltransferase 1; minus strand). Cytogenetic location: 19p13.2.
Variant type: single nucleotide variant.
Coding change: c.1051A>C on transcript NM_001130823.3 (MANE Select); coding-DNA position 1051, A replaced by C.
Protein change: p.Lys351Gln; replaces lysine 351 with glutamine.
Molecular consequence: missense variant.
Genome position (GRCh38, 1-based): chr19:10,160,056, T>G on the plus strand (A>C on the coding strand, the complement: DNMT1 is on the minus strand). VCF-style: chr19-10160056-T-G. GRCh37 (hg19) VCF-style: chr19-10270732-T-G.
Other names: c.1003A>C, p.Lys335Gln (NM_001318730.2, NM_001379.4); c.688A>C, p.Lys230Gln (NM_001318731.2); short protein forms K230Q, K351Q, K335Q.
Identifiers: ClinVar variation 962196 (VCV000962196.9), dbSNP rs749001465, ClinGen allele CA9188413.